The following is an entry in ClinVar:

ClinVar aggregate classification (germline): Uncertain significance (1 of 4 stars; one submission).

Allele frequency attached by ClinVar (database versions not stated): gnomAD exomes below 0.00001; ExAC 0.00001.
gnomAD v4.1: 4 of 1,613,938 alleles (0.00025%); highest among the groups gnomAD compares: Admixed American, 0.0017%; no homozygotes.

Submission:

Labcorp Genetics (formerly Invitae), Labcorp
Classification: Uncertain significance. Last evaluated: 2022-07-04. Review status: criteria provided, single submitter. Criteria: Invitae Variant Classification Sherloc (09022015). Collection method: clinical testing. Allele origin: germline.
Comment: This sequence change replaces histidine, which is basic and polar, with arginine, which is basic and polar, at codon 86 of the ADAMTS10 protein (p.His86Arg). This variant is present in population databases (rs782616945, gnomAD 0.0009%). This variant has not been reported in the literature in individuals affected with ADAMTS10-related conditions. Algorithms developed to predict the effect of missense changes on protein structure and function (SIFT, PolyPhen-2, Align-GVGD) all suggest that this variant is likely to be tolerated. In summary, the available evidence is currently insufficient to determine the role of this variant in disease. Therefore, it has been classified as a Variant of Uncertain Significance.

NM_030957.4(ADAMTS10):c.257A>G (p.His86Arg)

Gene: ADAMTS10 (ADAM metallopeptidase with thrombospondin type 1 motif 10; minus strand). Cytogenetic location: 19p13.2.
Variant type: single nucleotide variant.
Coding change: c.257A>G on transcript NM_030957.4 (MANE Select); coding-DNA position 257, A replaced by G.
Protein change: p.His86Arg; replaces histidine 86 with arginine.
Molecular consequence: missense variant.
Genome position (GRCh38, 1-based): chr19:8,605,190, T>C on the plus strand (A>G on the coding strand, the complement: ADAMTS10 is on the minus strand). VCF-style: chr19-8605190-T-C. GRCh37 (hg19) VCF-style: chr19-8670075-T-C.
Other names: short protein forms H86R.
Identifiers: ClinVar variation 1977415 (VCV001977415.2), dbSNP rs782616945, ClinGen allele CA9160891.
Genomic context (GRCh38, chr19:8,605,190, plus strand): 5'-TACTCCACGGAGACGTGCCCTGCCAGTAGACGGGAGCTGCGGGTCAGGTTCAGCAGGAAG[T>C]GGGTGCTGGGCGAGGCCACTTTGTAGAAGAGGCGGGACTCGGCTGTGGCCCCCGTGCCGC-3'
Protein context (NP_112219.3, residues 76-96): LFYKVASPST[His86Arg]FLLNLTRSSR